The following is an entry in ClinVar:

NM_001077525.3(MTMR14):c.1339T>C (p.Ser447Pro)

Gene: MTMR14 (myotubularin related protein 14; plus strand). Cytogenetic location: 3p25.3.
Variant type: single nucleotide variant.
Coding change: c.1339T>C on transcript NM_001077525.3 (MANE Select); coding-DNA position 1339, T replaced by C.
Protein change: p.Ser447Pro; replaces serine 447 with proline.
Molecular consequence: missense variant. On other transcripts: non-coding transcript variant (9).
Genome position (GRCh38, 1-based): chr3:9,688,988, T>C. VCF-style: chr3-9688988-T-C. GRCh37 (hg19) VCF-style: chr3-9730672-T-C.
Other names: c.1339T>C, p.Ser447Pro (NM_001077526.3, NM_022485.5); c.1408T>C, p.Ser470Pro (NM_001400518.1, NM_001400521.1); c.1336T>C, p.Ser446Pro (NM_001400519.1, NM_001400522.1); c.1264T>C, p.Ser422Pro (NM_001400520.1, NM_001400523.1, NM_001400528.1); c.1093T>C, p.Ser365Pro (NM_001400524.1, NM_001400527.1, NM_001400530.1); c.1057T>C, p.Ser353Pro (NM_001400525.1, NM_001400529.1, NM_001400532.1); c.1333T>C, p.Ser445Pro (NM_001400526.1); c.1090T>C, p.Ser364Pro (NM_001400531.1); and 5 more; short protein forms S208P, S233P, S445P, S447P, S160P, S364P, S422P, S470P.
Identifiers: ClinVar variation 2095651 (VCV002095651.4), dbSNP rs771970083, ClinGen allele CA2240731.

ClinVar aggregate classification (germline): Uncertain significance (1 of 4 stars; one submission).

Allele frequency attached by ClinVar (database versions not stated): ExAC 0.00001.

Submission:

Labcorp Genetics (formerly Invitae), Labcorp
Classification: Uncertain significance. Last evaluated: 2022-09-27. Review status: criteria provided, single submitter. Criteria: Invitae Variant Classification Sherloc (09022015). Collection method: clinical testing. Allele origin: germline.
Comment: In summary, the available evidence is currently insufficient to determine the role of this variant in disease. Therefore, it has been classified as a Variant of Uncertain Significance. Advanced modeling of protein sequence and biophysical properties (such as structural, functional, and spatial information, amino acid conservation, physicochemical variation, residue mobility, and thermodynamic stability) performed at Invitae indicates that this missense variant is not expected to disrupt MTMR14 protein function. This variant has not been reported in the literature in individuals affected with MTMR14-related conditions. This variant is not present in population databases (gnomAD no frequency). This sequence change replaces serine, which is neutral and polar, with proline, which is neutral and non-polar, at codon 447 of the MTMR14 protein (p.Ser447Pro).